The following is an entry in ClinVar:

NM_000277.3(PAH):c.120_121del (p.Leu41fs)

Gene: PAH (phenylalanine hydroxylase; minus strand). Cytogenetic location: 12q23.2.
Variant type: Deletion.
Coding change: c.120_121del on transcript NM_000277.3 (MANE Select); coding-DNA positions 120 to 121, 2 bases deleted (AC; older notation c.120_121delAC).
Protein change: p.Leu41fs; shifts the reading frame from leucine 41.
Molecular consequence: frameshift variant.
Genome position (GRCh38, 1-based): chr12:102,912,838-102,912,839, GT deleted on the plus strand (AC on the coding strand, the reverse complement: PAH is on the minus strand); deleting any 2 consecutive bases within chr12:102,912,838-102,912,840 gives the same sequence; the c. name uses the placement nearest the transcript's 3' end. VCF-style (leftmost placement, unchanged base first): chr12-102912837-AGT-A. GRCh37 (hg19) VCF-style: chr12-103306615-AGT-A.
Other names: c.120_121del, p.Leu41fs (NM_001354304.2); short protein forms L41fs.
Identifiers: ClinVar variation 1726597 (VCV001726597.2), dbSNP rs2499542511, ClinGen allele CA2580085692.
Genomic context (GRCh38, chr12:102,912,837, plus strand): 5'-ATTGTAGCACTGACCTCAAATAAGCGCAATACTTTGGCCAATGCACCAACTTCTTCTTTG[AGT>A]GAGAAGATCAGTGATATGGCACCATTTTGATTGCAGTTGTCTTCAATATAGCTTGTTTCC-3'

ClinVar aggregate classification (germline): Likely pathogenic (1 of 4 stars; one submission).

Conditions:
Phenylketonuria (PKU). Also called: Phenylketonurias; FOLLING DISEASE; Phenylketonuria (PKU); OLIGOPHRENIA PHENYLPYRUVICA. Identifiers: Orphanet 716, MedGen C0031485, MONDO:0009861, OMIM 261600. Disease mechanism: loss of function.

Submission:

Myriad Genetics, Inc.
Classification: Likely pathogenic for Phenylketonuria. Last evaluated: 2021-12-27. Review status: criteria provided, single submitter. Criteria: Myriad Women's Health Autosomal Recessive and X-Linked Classification Criteria (2021). Collection method: clinical testing. Allele origin: unknown.
Comment: NM_000277.1(PAH):c.120_121delAC(L41Qfs*15) is expected to be pathogenic in the context of phenylalanine hydroxylase deficiency. This variant is predicted to lead to an abnormal or absent protein product due to the creation of a premature termination codon in PAH, a gene where loss-of-function variants are known to be pathogenic. Please note: this variant was assessed in the context of healthy population screening.